The following is an entry in ClinVar:

NM_139343.3(BIN1):c.165+6T>C

Gene: BIN1 (bridging integrator 1; minus strand). Cytogenetic location: 2q14.3.
Variant type: single nucleotide variant.
Coding change: c.165+6T>C on transcript NM_139343.3 (MANE Select); 6 bases into the intron after coding-DNA position 165, T replaced by C.
Molecular consequence: intron variant.
Genome position (GRCh38, 1-based): chr2:127,076,620, A>G on the plus strand (T>C on the coding strand, the complement: BIN1 is on the minus strand). VCF-style: chr2-127076620-A-G. GRCh37 (hg19) VCF-style: chr2-127834196-A-G.
Other names: c.84+6T>C (NM_001320642.1); c.93+6T>C (NM_001320634.1); c.165+6T>C (NM_139351.3, NM_139350.3, NM_139349.3 and 10 more transcripts).
Identifiers: ClinVar variation 837344 (VCV000837344.11), dbSNP rs763931802, ClinGen allele CA1857580.

ClinVar aggregate classification (germline): Uncertain significance. Review status: criteria provided, multiple submitters, no conflicts (2 of 4 stars). 2 submissions from 2 submitters: Uncertain significance (2). Last evaluated 2022-06-27.

Conditions:
Myopathy, centronuclear, 2 (CNM2). Also called: MYOTUBULAR MYOPATHY, AUTOSOMAL RECESSIVE. Identifiers: Orphanet 169186, MedGen CN031787, MONDO:0009709, OMIM 255200.

Allele frequency attached by ClinVar (database versions not stated): gnomAD 0.00001; gnomAD exomes 0.00001 and 0.00002; TOPMed 0.00001; ExAC 0.00004.
gnomAD v4.1: 14 of 1,613,566 alleles (0.00087%); highest among the groups gnomAD compares: Admixed American, 0.0017%; no homozygotes.

Submissions (2):

Labcorp Genetics (formerly Invitae), Labcorp
Classification: Uncertain significance for Myopathy, centronuclear, 2. Last evaluated: 2022-06-27. Review status: criteria provided, single submitter. Criteria: Invitae Variant Classification Sherloc (09022015). Collection method: clinical testing. Allele origin: germline.
Comment: In summary, the available evidence is currently insufficient to determine the role of this variant in disease. Therefore, it has been classified as a Variant of Uncertain Significance. Variants that disrupt the consensus splice site are a relatively common cause of aberrant splicing (PMID: 17576681, 9536098). Algorithms developed to predict the effect of sequence changes on RNA splicing suggest that this variant is not likely to affect RNA splicing. ClinVar contains an entry for this variant (Variation ID: 837344). This variant has not been reported in the literature in individuals affected with BIN1-related conditions. This variant is present in population databases (rs763931802, gnomAD 0.004%). This sequence change falls in intron 2 of the BIN1 gene. It does not directly change the encoded amino acid sequence of the BIN1 protein. It affects a nucleotide within the consensus splice site.

Illumina Laboratory Services, Illumina
Classification: Uncertain significance for Myopathy, centronuclear, 2. Last evaluated: 2018-01-12. Review status: criteria provided, single submitter. Criteria: ICSL Variant Classification Criteria 13 December 2019. Collection method: clinical testing. Allele origin: germline.

Literature cited by the submitters: PubMed 17576681 (cited by Labcorp Genetics (formerly Invitae), Labcorp); PubMed 9536098 (cited by Labcorp Genetics (formerly Invitae), Labcorp).